The following is an entry in ClinVar:

ClinVar aggregate classification (germline): Uncertain significance (1 of 4 stars; one submission).

Conditions:
Dilated cardiomyopathy 1O (CMD1O). Also called: CARDIOMYOPATHY, DILATED, WITH VENTRICULAR TACHYCARDIA. Identifiers: Orphanet 154, MedGen C1837839, MONDO:0012062, OMIM 608569.

Submission:

Labcorp Genetics (formerly Invitae), Labcorp
Classification: Uncertain significance for Dilated cardiomyopathy 1O. Last evaluated: 2024-03-06. Review status: criteria provided, single submitter. Criteria: Invitae Variant Classification Sherloc (09022015). Collection method: clinical testing. Allele origin: germline.
Comment: This sequence change replaces valine, which is neutral and non-polar, with methionine, which is neutral and non-polar, at codon 213 of the ABCC9 protein (p.Val213Met). This variant is not present in population databases (gnomAD no frequency). This variant has not been reported in the literature in individuals affected with ABCC9-related conditions. Advanced modeling of protein sequence and biophysical properties (such as structural, functional, and spatial information, amino acid conservation, physicochemical variation, residue mobility, and thermodynamic stability) performed at Invitae indicates that this missense variant is expected to disrupt ABCC9 protein function with a positive predictive value of 95%. In summary, the available evidence is currently insufficient to determine the role of this variant in disease. Therefore, it has been classified as a Variant of Uncertain Significance.

NM_020297.4(ABCC9):c.637G>A (p.Val213Met)

Gene: ABCC9 (ATP binding cassette subfamily C member 9; minus strand). Cytogenetic location: 12p12.1.
Variant type: single nucleotide variant.
Coding change: c.637G>A on transcript NM_020297.4 (MANE Select); coding-DNA position 637, G replaced by A.
Protein change: p.Val213Met; replaces valine 213 with methionine.
Molecular consequence: missense variant. On other transcripts: intron variant (1).
Genome position (GRCh38, 1-based): chr12:21,915,847, C>T on the plus strand (G>A on the coding strand, the complement: ABCC9 is on the minus strand). VCF-style: chr12-21915847-C-T. GRCh37 (hg19) VCF-style: chr12-22068781-C-T.
Other names: c.637G>A, p.Val213Met (NM_001377273.1, NM_005691.4); c.-48-2781G>A (NM_001377274.1); short protein forms V213M.
Identifiers: ClinVar variation 3625905 (VCV003625905.2).